The following is an entry in ClinVar:

ClinVar aggregate classification (germline): Likely benign. Review status: criteria provided, multiple submitters, no conflicts (2 of 4 stars). 2 submissions from 2 submitters: Likely benign (2). Last evaluated 2026-09-17.

Conditions:
Generalized epilepsy with febrile seizures plus, type 7 (GEFSP7). Also called: GEFS+, TYPE 7. Identifiers: Orphanet 36387, MedGen C2751778, MONDO:0013470, OMIM 613863.
Neuropathy, hereditary sensory and autonomic, type 2A (HSAN2A). Also called: HSAN IIA; MORVAN DISEASE; NEUROPATHY, CONGENITAL SENSORY; NEUROPATHY, HEREDITARY SENSORY RADICULAR, AUTOSOMAL RECESSIVE; NEUROPATHY, HEREDITARY SENSORY, TYPE IIA; NEUROPATHY, PROGRESSIVE SENSORY, OF CHILDREN. Identifiers: Orphanet 970, MedGen C2752089, MONDO:0024309, OMIM 201300.
SCN9A-related disorder. Also called: SCN9A-related condition; SCN9A-related disorders.

Allele frequency attached by ClinVar (database versions not stated): gnomAD 0.00004 and 0.00005; TOPMed 0.00014.
gnomAD v4.1: 16 of 1,613,426 alleles (0.00099%); highest among the groups gnomAD compares: Admixed American, 0.018%; no homozygotes.

Submissions (2):

PreventionGenetics, part of Exact Sciences
Classification: Likely benign for SCN9A-related condition. Last evaluated: 2026-09-17. Review status: criteria provided, single submitter. Criteria: ACMG Guidelines, 2015. Collection method: clinical testing. Allele origin: germline.
Comment: This variant is classified as likely benign based on ACMG/AMP sequence variant interpretation guidelines (Richards et al. 2015 PMID: 25741868, with internal and published modifications).

Labcorp Genetics (formerly Invitae), Labcorp
Classification: Likely benign for Neuropathy, hereditary sensory and autonomic, type 2A; Generalized epilepsy with febrile seizures plus, type 7. Last evaluated: 2025-05-26. Review status: criteria provided, single submitter. Criteria: Invitae Variant Classification Sherloc (09022015). Collection method: clinical testing. Allele origin: germline.

NM_001365536.1(SCN9A):c.672T>A (p.Thr224=)

Gene: SCN9A (sodium voltage-gated channel alpha subunit 9; minus strand). Cytogenetic location: 2q24.3.
Variant type: single nucleotide variant.
Coding change: c.672T>A on transcript NM_001365536.1 (MANE Select); coding-DNA position 672, T replaced by A.
Protein change: p.Thr224=; no amino-acid change (threonine 224 retained).
Molecular consequence: synonymous variant.
Genome position (GRCh38, 1-based): chr2:166,304,254, A>T on the plus strand (T>A on the coding strand, the complement: SCN9A is on the minus strand). VCF-style: chr2-166304254-A-T. GRCh37 (hg19) VCF-style: chr2-167160764-A-T.
Other names: c.672T>A, p.Thr224= (NM_002977.4).
Identifiers: ClinVar variation 750173 (VCV000750173.10), dbSNP rs968362489, ClinGen allele CA59808843.